The following is an entry in ClinVar:

ClinVar aggregate classification (germline): Uncertain significance. Review status: criteria provided, multiple submitters, no conflicts (2 of 4 stars). 2 submissions from 2 submitters: Uncertain significance (2). Last evaluated 2026-06-04.

Conditions:
Inborn genetic diseases. Identifiers: MedGen C0950123, MeSH D030342.

gnomAD v4.1: 4 of 1,613,930 alleles (0.00025%); highest among the groups gnomAD compares: African/African-American, 0.0027%; no homozygotes.

Submissions (2):

Ambry Genetics
Classification: Uncertain significance for Inborn genetic diseases. Last evaluated: 2026-06-04. Review status: criteria provided, single submitter. Criteria: Ambry Variant Classification Scheme 2023. Collection method: clinical testing. Allele origin: germline.

GeneDx
Classification: Uncertain significance. Last evaluated: 2023-06-07. Review status: criteria provided, single submitter. Criteria: GeneDx Variant Classification Process June 2021. Collection method: clinical testing. Allele origin: germline. Affected: yes.
Comment: Not observed at significant frequency in large population cohorts (gnomAD); In silico analysis supports that this missense variant does not alter protein structure/function; Has not been previously published as pathogenic or benign to our knowledge

NM_052874.5(STX1B):c.523A>G (p.Ile175Val)

Gene: STX1B (syntaxin 1B; minus strand). Cytogenetic location: 16p11.2.
Variant type: single nucleotide variant.
Coding change: c.523A>G on transcript NM_052874.5 (MANE Select); coding-DNA position 523, A replaced by G.
Protein change: p.Ile175Val; replaces isoleucine 175 with valine.
Molecular consequence: missense variant.
Genome position (GRCh38, 1-based): chr16:30,996,697, T>C on the plus strand (A>G on the coding strand, the complement: STX1B is on the minus strand). VCF-style: chr16-30996697-T-C. GRCh37 (hg19) VCF-style: chr16-31008018-T-C.
Other names: short protein forms I175V.
Identifiers: ClinVar variation 3359624 (VCV003359624.2).
Genomic context (GRCh38, chr16:30,996,697, plus strand): 5'-AGGCAAAAATTTTCCAAAAGCAGAGCCCGCCCCACCCGCGGCTCACGTCATCTGTGAAGA[T>C]GGCCAGCTTCCCGCTCTCCAGCATGTCTTCCAGTTCTTCGTTGGTGGTGGTCCTTCCAGC-3'
Protein context (NP_443106.1, residues 165-185): EDMLESGKLA[Ile175Val]FTDDIKMDSQ